The following is an entry in ClinVar:

ClinVar aggregate classification (germline): Uncertain significance (1 of 4 stars; one submission).

Conditions:
TBX3-related disorder. Also called: TBX3-related condition.

Submission:

PreventionGenetics, part of Exact Sciences
Classification: Uncertain significance for TBX3-related condition. Last evaluated: 2025-05-21. Review status: criteria provided, single submitter. Criteria: ACMG Guidelines, 2015. Collection method: clinical testing. Allele origin: germline.
Comment: The TBX3 c.1182G>T variant is predicted to result in the amino acid substitution p.Lys394Asn. To our knowledge, this variant has not been reported in the literature or in gnomAD, indicating that this variant is rare. At this time, the clinical significance of this variant is uncertain due to the absence of conclusive functional and genetic evidence.

NM_005996.4(TBX3):c.1122G>T (p.Lys374Asn)

Gene: TBX3 (T-box transcription factor 3; minus strand). Cytogenetic location: 12q24.21.
Variant type: single nucleotide variant.
Coding change: c.1122G>T on transcript NM_005996.4 (MANE Select); coding-DNA position 1122, G replaced by T.
Protein change: p.Lys374Asn; replaces lysine 374 with asparagine.
Molecular consequence: missense variant.
Genome position (GRCh38, 1-based): chr12:114,674,753, C>A on the plus strand (G>T on the coding strand, the complement: TBX3 is on the minus strand). VCF-style: chr12-114674753-C-A. GRCh37 (hg19) VCF-style: chr12-115112558-C-A.
Other names: c.1182G>T, p.Lys394Asn (NM_016569.4); short protein forms K394N, K374N.
Identifiers: ClinVar variation 4979206 (VCV004979206.1).
Genomic context (GRCh38, chr12:114,674,753, plus strand): 5'-AGCCTTGACCGCGGGGCTGCCCTTGTCACGGCAGGGCTCCTCCGACGTGGTGGTGGAGAT[C>A]TTGGCCGCGTCGCAGGCCTCGGGGCCATGCTCCTCTTTGCTCTCGGCCTCGGCGTCGCTC-3'
Protein context (NP_005987.3, residues 364-384): EHGPEACDAA[Lys374Asn]ISTTTSEEPC